The following is an entry in ClinVar:

ClinVar aggregate classification (germline): Uncertain significance. Review status: criteria provided, multiple submitters, no conflicts (2 of 4 stars). 2 submissions from 2 submitters: Uncertain significance (2). Last evaluated 2025-09-01.

Conditions:
Inborn genetic diseases. Identifiers: MedGen C0950123, MeSH D030342.

Submissions (2):

Ambry Genetics
Classification: Uncertain significance for Inborn genetic diseases. Last evaluated: 2025-09-01. Review status: criteria provided, single submitter. Criteria: Ambry Variant Classification Scheme 2023. Collection method: clinical testing. Allele origin: germline.

Labcorp Genetics (formerly Invitae), Labcorp
Classification: Uncertain significance. Last evaluated: 2024-12-02. Review status: criteria provided, single submitter. Criteria: Invitae Variant Classification Sherloc (09022015). Collection method: clinical testing. Allele origin: germline.
Comment: This sequence change replaces valine, which is neutral and non-polar, with leucine, which is neutral and non-polar, at codon 138 of the NRL protein (p.Val138Leu). This variant is not present in population databases (gnomAD no frequency). This variant has not been reported in the literature in individuals affected with NRL-related conditions. ClinVar contains an entry for this variant (Variation ID: 1508063). An algorithm developed to predict the effect of missense changes on protein structure and function (PolyPhen-2) suggests that this variant is likely to be tolerated. In summary, the available evidence is currently insufficient to determine the role of this variant in disease. Therefore, it has been classified as a Variant of Uncertain Significance.

NM_001354768.3(NRL):c.412G>C (p.Val138Leu)

Gene: NRL (neural retina leucine zipper; minus strand). Cytogenetic location: 14q11.2.
Variant type: single nucleotide variant.
Coding change: c.412G>C on transcript NM_001354768.3 (MANE Select); coding-DNA position 412, G replaced by C.
Protein change: p.Val138Leu; replaces valine 138 with leucine.
Molecular consequence: missense variant.
Genome position (GRCh38, 1-based): chr14:24,081,538, C>G on the plus strand (G>C on the coding strand, the complement: NRL is on the minus strand). VCF-style: chr14-24081538-C-G. GRCh37 (hg19) VCF-style: chr14-24550747-C-G.
Other names: c.412G>C, p.Val138Leu (NM_001354769.1, NM_006177.5); c.97G>C, p.Val33Leu (NM_001354770.2); c.412G>C (NM_006177.3); short protein forms V138L, V33L.
Identifiers: ClinVar variation 1508063 (VCV001508063.7), dbSNP rs2036300474, ClinGen allele CA389278923.